The following is an entry in ClinVar:

NM_014862.4(ARNT2):c.493G>C (p.Asp165His)

Gene: ARNT2 (aryl hydrocarbon receptor nuclear translocator 2; plus strand). Cytogenetic location: 15q25.1.
Variant type: single nucleotide variant.
Coding change: c.493G>C on transcript NM_014862.4 (MANE Select); coding-DNA position 493, G replaced by C.
Protein change: p.Asp165His; replaces aspartic acid 165 with histidine.
Molecular consequence: missense variant.
Genome position (GRCh38, 1-based): chr15:80,475,094, G>C. VCF-style: chr15-80475094-G-C. GRCh37 (hg19) VCF-style: chr15-80767435-G-C.
Other names: short protein forms D165H.
Identifiers: ClinVar variation 1368234 (VCV001368234.6), dbSNP rs2141397888, ClinGen allele CA393654307.

ClinVar aggregate classification (germline): Uncertain significance (1 of 4 stars; one submission).

Submission:

Labcorp Genetics (formerly Invitae), Labcorp
Classification: Uncertain significance. Last evaluated: 2021-12-02. Review status: criteria provided, single submitter. Criteria: Invitae Variant Classification Sherloc (09022015). Collection method: clinical testing. Allele origin: germline.
Comment: This variant is not present in population databases (gnomAD no frequency). This sequence change replaces aspartic acid, which is acidic and polar, with histidine, which is basic and polar, at codon 165 of the ARNT2 protein (p.Asp165His). This variant has not been reported in the literature in individuals affected with ARNT2-related conditions. Algorithms developed to predict the effect of missense changes on protein structure and function are either unavailable or do not agree on the potential impact of this missense change (SIFT: "Deleterious"; PolyPhen-2: "Benign"; Align-GVGD: "Class C0"). In summary, the available evidence is currently insufficient to determine the role of this variant in disease. Therefore, it has been classified as a Variant of Uncertain Significance.